The following is an entry in ClinVar:

NM_001303115.2(TUBA1C):c.-465C>T

Gene: TUBA1C (tubulin alpha 1c; plus strand). Cytogenetic location: 12q13.12.
Variant type: single nucleotide variant.
Coding change: c.-465C>T on transcript NM_001303115.2; 465 bases upstream of the start codon, C replaced by T.
Molecular consequence: 5 prime UTR variant. On other transcripts: synonymous variant (1).
Genome position (GRCh38, 1-based): chr12:49,228,037, C>T. VCF-style: chr12-49228037-C-T. GRCh37 (hg19) VCF-style: chr12-49621820-C-T.
Other names: c.84C>T, p.Ser28= (NM_001303114.1); c.-347C>T (NM_001303116.2); c.-350C>T (NM_001303117.2).
Identifiers: ClinVar variation 2672502 (VCV002672502.21), dbSNP rs752860748, ClinGen allele CA479528858.

ClinVar aggregate classification (germline): Likely benign (1 of 4 stars; one submission).

gnomAD v4.1: 2 of 1,535,700 alleles (0.00013%); highest among the groups gnomAD compares: Admixed American, 0.002%; no homozygotes.

Submission:

CeGaT Center for Human Genetics Tuebingen
Classification: Likely benign. Last evaluated: 2023-11-01. Review status: criteria provided, single submitter. Criteria: CeGaT Center For Human Genetics Tuebingen Variant Classification Criteria Version 2. Collection method: clinical testing. Allele origin: germline. Affected: yes. Observed: 1 variant allele.
Comment: TUBA1C: PM2:Supporting, BP4, BP7